The following is an entry in ClinVar:

NM_005502.4(ABCA1):c.4031G>A (p.Arg1344Gln)

Gene: ABCA1 (ATP binding cassette subfamily A member 1; minus strand). Cytogenetic location: 9q31.1.
Variant type: single nucleotide variant.
Coding change: c.4031G>A on transcript NM_005502.4 (MANE Select); coding-DNA position 4031, G replaced by A.
Protein change: p.Arg1344Gln; replaces arginine 1344 with glutamine.
Molecular consequence: missense variant.
Genome position (GRCh38, 1-based): chr9:104,812,593, C>T on the plus strand (G>A on the coding strand, the complement: ABCA1 is on the minus strand). VCF-style: chr9-104812593-C-T. GRCh37 (hg19) VCF-style: chr9-107574874-C-T.
Other names: c.4031G>A (NM_005502.3); short protein forms R1344Q.
Identifiers: ClinVar variation 2154150 (VCV002154150.5), dbSNP rs1188153505, ClinGen allele CA374317018.

ClinVar aggregate classification (germline): Uncertain significance. Review status: criteria provided, multiple submitters, no conflicts (2 of 4 stars). 2 submissions from 2 submitters: Uncertain significance (2). Last evaluated 2024-09-20.

Conditions:
Hypoalphalipoproteinemia, primary, 1. Identifiers: Orphanet 425, MedGen C5231558, MONDO:0011393, OMIM 604091.

Allele frequency attached by ClinVar (database versions not stated): gnomAD exomes below 0.00001; gnomAD 0.00001; TOPMed 0.00001.
gnomAD v4.1: 9 of 1,614,050 alleles (0.00056%); highest among the groups gnomAD compares: South Asian, 0.0022%; no homozygotes.

Submissions (2):

Victorian Clinical Genetics Services, Murdoch Childrens Research Institute
Classification: Uncertain significance for Hypoalphalipoproteinemia, primary, 1. Last evaluated: 2024-09-20. Review status: criteria provided, single submitter. Criteria: ACMG Guidelines, 2015. Collection method: clinical testing. Allele origin: germline. Inheritance: Autosomal dominant inheritance. Affected: yes.
Comment: Based on the classification scheme VCGS_Germline_v1.3.4, this variant is classified as VUS-3B. Following criteria are met: 0102 - Loss of function is a known mechanism of disease in this gene and is associated with familial HDL deficiency 1 (MIM#604091) and Tangier disease (MIM#205400). (I) 0108 - This gene is associated with both recessive and dominant disease. Familial HDL deficiency 1 (MIM#604091) is associated with autosomal dominant inheritance whilst Tangier disease (MIM#205400) is associated with a more severe phenotype and is inherited in an autosomal recessive manner (OMIM). (I) 0200 - Variant is predicted to result in a missense amino acid change from arginine to glutamine. (I) 0251 - This variant is heterozygous. (I) 0304 - Variant is present in gnomAD <0.01 (v3: 2 heterozygotes, 0 homozygotes). (SP) 0309 - An alternative amino acid change at the same position has been observed in gnomAD (v2) (10 heterozygotes, 0 homozygotes). (I) 0502 - Missense variant with conflicting in silico predictions and high conservation. (I) 0600 - Variant is located in the annotated ABC2 membrane 3 domain (DECIPHER). (I) 0710 - Another missense variant comparable to the one identified in this case has inconclusive previous evidence for pathogenicity. An alternative amino acid change, p.(Arg1344Trp), has been reported as VUS in ClinVar. (I) 0809 - Previous evidence of pathogenicity for this variant is inconclusive. This variant has been reported as VUS in ClinVar. (I) 0905 - No published segregation evidence has been identified for this variant. (I) 1007 - No published functional evidence has been identified for this variant. (I) 1208 - Inheritance information for this variant is not currently available in this individual. (I) Legend: (SP) - Supporting pathogenic, (I) - Information, (SB) - Supporting benign

Labcorp Genetics (formerly Invitae), Labcorp
Classification: Uncertain significance. Last evaluated: 2022-02-08. Review status: criteria provided, single submitter. Criteria: Invitae Variant Classification Sherloc (09022015). Collection method: clinical testing. Allele origin: germline.
Comment: In summary, the available evidence is currently insufficient to determine the role of this variant in disease. Therefore, it has been classified as a Variant of Uncertain Significance. Algorithms developed to predict the effect of missense changes on protein structure and function are either unavailable or do not agree on the potential impact of this missense change (SIFT: "Deleterious"; PolyPhen-2: "Probably Damaging"; Align-GVGD: "Class C0"). This variant has not been reported in the literature in individuals affected with ABCA1-related conditions. This variant is present in population databases (no rsID available, gnomAD 0.003%). This sequence change replaces arginine, which is basic and polar, with glutamine, which is neutral and polar, at codon 1344 of the ABCA1 protein (p.Arg1344Gln).